The following is an entry in ClinVar:

ClinVar aggregate classification (germline): Pathogenic (1 of 4 stars; one submission).

Conditions:
Retinitis pigmentosa 25 (RP25). Identifiers: Orphanet 791, MedGen C1864446, MONDO:0011272, OMIM 602772.

Submission:

Myriad Genetics, Inc.
Classification: Pathogenic for Retinitis pigmentosa 25. Last evaluated: 2025-09-02. Review status: criteria provided, single submitter. Criteria: Myriad Autosomal Dominant, Autosomal Recessive and X-Linked Classification Criteria (2023). Collection method: clinical testing. Allele origin: unknown.
Comment: NM_001142800.1(EYS):c.714_717dupAGCA(Y240Sfs*3) is a frameshift variant classified as pathogenic in the context of retinitis pigmentosa, EYS-related. Y240Sfs*3 has not been observed in cases with relevant disease. Relevant functional assessments of this variant are not available in the literature. Y240Sfs*3 has not been observed in referenced population frequency databases. In summary, NM_001142800.1(EYS):c.714_717dupAGCA(Y240Sfs*3) is a frameshift variant in a gene where loss of function is a known mechanism of disease and is predicted to disrupt protein function. Please note: this variant was assessed in the context of healthy population screening.

NM_001142800.2(EYS):c.714_717dup (p.Tyr240fs)

Gene: EYS (EGF-like photoreceptor maintenance factor; minus strand). Cytogenetic location: 6q12.
Variant type: Microsatellite.
Coding change: c.714_717dup on transcript NM_001142800.2 (MANE Select); coding-DNA positions 714 to 717, 4 bases duplicated (AGCA; older notation c.714_717dupAGCA).
Protein change: p.Tyr240fs; shifts the reading frame from tyrosine 240.
Molecular consequence: frameshift variant.
Genome position (GRCh38, 1-based): chr6:65,494,694-65,494,697, TGCT duplicated on the plus strand (AGCA on the coding strand, the reverse complement: EYS is on the minus strand); duplicating any 4 consecutive bases within chr6:65,494,694-65,494,701 gives the same sequence; the c. name uses the placement nearest the transcript's 3' end. VCF-style (leftmost placement, unchanged base first): chr6-65494693-A-ATGCT. GRCh37 (hg19) VCF-style: chr6-66204586-A-ATGCT.
Other names: c.714_717dup, p.Tyr240fs (NM_001142801.2, NM_001292009.2, NM_198283.2); short protein forms Y240fs.
Identifiers: ClinVar variation 5004142 (VCV005004142.1).